The following is an entry in ClinVar:

ClinVar aggregate classification (germline): Uncertain significance (1 of 4 stars; one submission).

Conditions:
Hypertrophic cardiomyopathy 26. Also called: Cardiomyopathy, familial hypertrophic, 26. Identifiers: Orphanet 75249, MedGen C4310749, MONDO:0014883, OMIM 617047.
Myofibrillar myopathy 5. Also called: Filaminopathy (type); FILAMINOPATHY, AUTOSOMAL DOMINANT. Identifiers: Orphanet 171445, MedGen C1836050, MONDO:0012289, OMIM 609524.
Distal myopathy with posterior leg and anterior hand involvement. Also called: WILLIAMS DISTAL MYOPATHY. Identifiers: Orphanet 63273, MedGen C3279722, MONDO:0013550, OMIM 614065.

Submission:

Labcorp Genetics (formerly Invitae), Labcorp
Classification: Uncertain significance for Distal myopathy with posterior leg and anterior hand involvement; Myofibrillar myopathy 5; Hypertrophic cardiomyopathy 26. Last evaluated: 2023-04-05. Review status: criteria provided, single submitter. Criteria: Invitae Variant Classification Sherloc (09022015). Collection method: clinical testing. Allele origin: germline.
Comment: In summary, the available evidence is currently insufficient to determine the role of this variant in disease. Therefore, it has been classified as a Variant of Uncertain Significance. Algorithms developed to predict the effect of missense changes on protein structure and function output the following: SIFT: "Not Available"; PolyPhen-2: "Benign"; Align-GVGD: "Not Available". The proline amino acid residue is found in multiple mammalian species, which suggests that this missense change does not adversely affect protein function. This variant has not been reported in the literature in individuals affected with FLNC-related conditions. This variant is not present in population databases (gnomAD no frequency). This sequence change replaces glutamine, which is neutral and polar, with proline, which is neutral and non-polar, at codon 1749 of the FLNC protein (p.Gln1749Pro).

NM_001458.5(FLNC):c.5246A>C (p.Gln1749Pro)

Gene: FLNC (filamin C; plus strand). Cytogenetic location: 7q32.1.
Variant type: single nucleotide variant.
Coding change: c.5246A>C on transcript NM_001458.5 (MANE Select); coding-DNA position 5246, A replaced by C.
Protein change: p.Gln1749Pro; replaces glutamine 1749 with proline.
Molecular consequence: missense variant. On other transcripts: intron variant (1).
Genome position (GRCh38, 1-based): chr7:128,850,022, A>C. VCF-style: chr7-128850022-A-C. GRCh37 (hg19) VCF-style: chr7-128490076-A-C.
Other names: c.5200-362A>C (NM_001127487.2); short protein forms Q1749P.
Identifiers: ClinVar variation 2943894 (VCV002943894.3), dbSNP rs2536651996, ClinGen allele CA369204620.